The following is an entry in ClinVar:

NM_000152.5(GAA):c.710C>A (p.Ala237Glu)

Gene: GAA (alpha glucosidase; plus strand). Cytogenetic location: 17q25.3.
Variant type: single nucleotide variant.
Coding change: c.710C>A on transcript NM_000152.5 (MANE Select); coding-DNA position 710, C replaced by A.
Protein change: p.Ala237Glu; replaces alanine 237 with glutamic acid.
Molecular consequence: missense variant.
Genome position (GRCh38, 1-based): chr17:80,107,574, C>A. VCF-style: chr17-80107574-C-A. GRCh37 (hg19) VCF-style: chr17-78081373-C-A.
Other names: p.Ala237Glu; c.710C>A, p.Ala237Glu (NM_001079803.3, NM_001079804.3, NM_001406741.1 and 1 more transcripts); short protein forms A237E.
Identifiers: ClinVar variation 2577230 (VCV002577230.2), dbSNP rs121907944, ClinGen allele CA401363061.

ClinVar aggregate classification (germline): Uncertain significance. Review status: criteria provided, multiple submitters, no conflicts (2 of 4 stars). 2 submissions from 2 submitters: Uncertain significance (2). Last evaluated 2023-07-25.

Submissions (2):

Women's Health and Genetics/Laboratory Corporation of America, LabCorp
Classification: Uncertain significance. Last evaluated: 2023-07-25. Review status: criteria provided, single submitter. Criteria: LabCorp Variant Classification Summary - May 2015. Collection method: clinical testing. Allele origin: germline.
Comment: Variant summary: GAA c.710C>A (p.Ala237Glu) results in a non-conservative amino acid change located in the N-terminal barrel domain (IPR031727) of the encoded protein sequence. Five of five in-silico tools predict a damaging effect of the variant on protein function. The variant allele was found at a frequency of 4e-06 in 250946 control chromosomes (gnomAD). The available data on variant occurrences in the general population are insufficient to allow any conclusion about variant significance. To our knowledge, no occurrence of c.710C>A in individuals affected with Glycogen Storage Disease, Type 2 (Pompe Disease) and no experimental evidence demonstrating its impact on protein function have been reported. No submitters have cited clinical-significance assessments for this variant to ClinVar after 2014. Based on the evidence outlined above, the variant was classified as uncertain significance.

Mayo Clinic Laboratories, Mayo Clinic
Classification: Uncertain significance. Last evaluated: 2022-05-27. Review status: criteria provided, single submitter. Criteria: ACMG Guidelines, 2015. Collection method: clinical testing. Allele origin: germline. Observed: 1 variant allele.